The following is an entry in ClinVar:

NM_001177693.2(ARHGEF28):c.4452G>A (p.Glu1484=)

Gene: ARHGEF28 (Rho guanine nucleotide exchange factor 28; plus strand). Cytogenetic location: 5q13.2.
Variant type: single nucleotide variant.
Coding change: c.4452G>A on transcript NM_001177693.2 (MANE Select); coding-DNA position 4452, G replaced by A.
Protein change: p.Glu1484=; no amino-acid change (glutamic acid 1484 retained).
Molecular consequence: synonymous variant.
Genome position (GRCh38, 1-based): chr5:73,909,702, G>A. VCF-style: chr5-73909702-G-A. GRCh37 (hg19) VCF-style: chr5-73205527-G-A.
Other names: c.4452G>A, p.Glu1484= (NM_001080479.3, NM_001388078.1); c.3513G>A, p.Glu1171= (NM_001244364.2); c.4158G>A, p.Glu1386= (NM_001388076.1).
Identifiers: ClinVar variation 3354138 (VCV003354138.1).

ClinVar aggregate classification (germline): Likely benign (0 of 4 stars; one submission).

Conditions:
ARHGEF28-related disorder. Also called: ARHGEF28-related condition.

gnomAD v4.1: 1 of 1,531,492 alleles (0.000065%); highest among the groups gnomAD compares: Non-Finnish European, 0.000088%; no homozygotes.

Submission:

PreventionGenetics, part of Exact Sciences
Classification: Likely benign for ARHGEF28-related condition. Last evaluated: 2022-05-04. Review status: no assertion criteria provided. Collection method: clinical testing. Allele origin: germline.
Comment: This variant is classified as likely benign based on ACMG/AMP sequence variant interpretation guidelines (Richards et al. 2015 PMID: 25741868, with internal and published modifications).